The following is an entry in ClinVar:

NM_033004.4(NLRP1):c.438C>A (p.Arg146=)

Gene: NLRP1 (NLR family pyrin domain containing 1; minus strand). Cytogenetic location: 17p13.2.
Variant type: single nucleotide variant.
Coding change: c.438C>A on transcript NM_033004.4 (MANE Select); coding-DNA position 438, C replaced by A.
Protein change: p.Arg146=; no amino-acid change (arginine 146 retained).
Molecular consequence: synonymous variant.
Genome position (GRCh38, 1-based): chr17:5,582,680, G>T on the plus strand (C>A on the coding strand, the complement: NLRP1 is on the minus strand). VCF-style: chr17-5582680-G-T. GRCh37 (hg19) VCF-style: chr17-5486000-G-T.
Other names: c.438C>A, p.Arg146= (NM_001033053.3, NM_014922.5, NM_033006.4 and 1 more transcripts).
Identifiers: ClinVar variation 103031 (VCV000103031.29), dbSNP rs199475700, ClinGen allele CA018536.

ClinVar aggregate classification (germline): Likely benign. Review status: criteria provided, multiple submitters, no conflicts (2 of 4 stars). 3 submissions from 3 submitters: Likely benign (2). 1 of the submissions does not count toward it. Last evaluated 2024-09-19.

Allele frequency attached by ClinVar (database versions not stated): TOPMed below 0.00001; ExAC 0.00001; gnomAD 0.00001; gnomAD exomes 0.00001; 1000 Genomes Project 30x 0.00016; 1000 Genomes Project 0.00020.
gnomAD v4.1: 13 of 1,614,050 alleles (0.00081%); highest among the groups gnomAD compares: Middle Eastern, 0.016%; no homozygotes.

Submissions (3):

Labcorp Genetics (formerly Invitae), Labcorp
Classification: Likely benign. Last evaluated: 2024-09-19. Review status: criteria provided, single submitter. Criteria: Invitae Variant Classification Sherloc (09022015). Collection method: clinical testing. Allele origin: germline.

CeGaT Center for Human Genetics Tuebingen
Classification: Likely benign. Last evaluated: 2024-01-01. Review status: criteria provided, single submitter. Criteria: CeGaT Center For Human Genetics Tuebingen Variant Classification Criteria Version 2. Collection method: clinical testing. Allele origin: germline. Affected: yes. Observed: 2 variant alleles.
Comment: NLRP1: BP4, BP7

Human Evolutionary Genetics, Institut Pasteur
No classification provided. Review status: no classification provided. Collection method: not provided. Allele origin: germline. Not counted in ClinVar's aggregate classification.
ClinVar note: Converted during submission from untested to not provided.